The following is an entry in ClinVar:

ClinVar aggregate classification (germline): Pathogenic/Likely pathogenic. Review status: criteria provided, multiple submitters, no conflicts (2 of 4 stars). 19 submissions from 17 submitters: Pathogenic (13); Likely pathogenic (3). 3 of the submissions do not count toward it. Last evaluated 2026-06-01.

Conditions:
UGT1A1-related disorder. Also called: UGT1A1-related disorders; UGT1A1-related condition.
UGT1A1 & UGT1A9-related disorders.
Gilbert syndrome. Also called: HYPERBILIRUBINEMIA I; HYPERBILIRUBINEMIA, ARIAS TYPE; HYPERBILIRUBINEMIA, GILBERT TYPE; Gilbert's syndrome; Gilbert Disease. Identifiers: MedGen C0017551, MONDO:0007745, OMIM 143500.
Crigler-Najjar syndrome type 1. Also called: HYPERBILIRUBINEMIA, CRIGLER-NAJJAR TYPE I. Identifiers: Orphanet 79234, MedGen C0010324, MONDO:0021020, OMIM 218800.
Crigler-Najjar syndrome, type II. Also called: Crigler Najjar syndrome, type 2; Mutation in the UDP-glucuronosyl-transferase gene; HYPERBILIRUBINEMIA, CRIGLER-NAJJAR TYPE II. Identifiers: Orphanet 205, Orphanet 79235, MedGen C2931132, MONDO:0011725, OMIM 606785.
BILIRUBIN, SERUM LEVEL OF, QUANTITATIVE TRAIT LOCUS 1 (BILIQTL1). Identifiers: MedGen C1866173, OMIM 601816.
Lucey-Driscoll syndrome (HBLRTFN). Also called: Transient familial neonatal hyperbilirubinemia. Identifiers: Orphanet 2312, MedGen C0270210, MONDO:0009383, OMIM 237900.
Hyperbilirubinemia. Identifiers: MedGen C0311468, MONDO:0024288, HP:0002904.

Allele frequency attached by ClinVar (database versions not stated): gnomAD exomes 0.00009 and 0.00022; TOPMed 0.00019; 1000 Genomes Project 0.00080; gnomAD 0.00016; 1000 Genomes Project 30x 0.00078.
gnomAD v4.1: 159 of 1,614,182 alleles (0.0099%); highest among the groups gnomAD compares: East Asian, 0.21%; no homozygotes.

Submissions 1 to 9 of 19:

PreventionGenetics, part of Exact Sciences
Classification: Pathogenic for UGT1A1-related condition. Last evaluated: 2026-06-01. Review status: criteria provided, single submitter. Criteria: ACMG Guidelines, 2015. Collection method: clinical testing. Allele origin: germline.
Comment: The UGT1A1 c.1456T>G variant is predicted to result in the amino acid substitution p.Tyr486Asp. This variant has been reported to be causative for Crigler-Najjar syndrome or Gilbert syndrome when present in the homozygous state. Functional studies showed that the substitution p.Tyr486Asp dramatically reduced UGT1A1 enzyme activity (see, for example, Aono et al. 1993. PubMed ID: 8280139; Yamamoto et al. 1998. PubMed ID: 9630669; Nakagawa et al. 2012. PubMed ID: 23279026; Gagné et al. 2002. PubMed ID: 12181437). This variant has also been found to be causative for Crigler-Najjar syndrome type II in the compound heterozygous state (Luo et al. 2023. PubMed ID: 37137832). This variant is reported in 0.18% of alleles in individuals of East Asian descent in gnomAD. This variant is interpreted as pathogenic.

Genesolutions, Medical Genetics Institutes, Ho Chi Minh City, Vietnam
Classification: Likely pathogenic for Gilbert syndrome. Last evaluated: 2025-09-24. Review status: criteria provided, single submitter. Criteria: ACMG Guidelines, 2015. Collection method: clinical testing. Allele origin: germline. Affected: yes.

ARUP Laboratories, Molecular Genetics and Genomics, ARUP Laboratories
Classification: Pathogenic. Last evaluated: 2025-07-15. Review status: criteria provided, single submitter. Criteria: ARUP Molecular Germline Variant Investigation Process 2024. Collection method: clinical testing. Allele origin: germline.
Comment: The UGT1A1 c.1456T>G; p.Tyr486Asp variant (rs34993780; ClinVar Variation ID: 12281), also known as the *7 allele, is reported in the literature in both homozygous and compound heterozygous state in multiple individuals affected with either Crigler-Najjar syndrome or Gilbert syndrome (Aono 1993, Iijima 2011, Ko 2014, Maruo 2011, Maruo 1998, Nakagawa 2011, Sun 2017, Wu 2008, Yang 2016). In vitro functional analyses demonstrate an 89-92% reduction in UGT1A1 enzyme activity (Gagne 2002, Yamamoto 1998). This variant is found in the general population with an overall allele frequency of 0.02% (61/282,556 alleles) in the Genome Aggregation Database (v2.1.1). Computational analyses predict that this variant is deleterious (REVEL: 0.894). Based on available information, this variant is considered to be pathogenic. References: Aono S et al. Identification of defect in the genes for bilirubin UDP-glucuronosyl-transferase in a patient with Crigler-Najjar syndrome type II. Biochem Biophys Res Commun. 1993 Dec 30. PMID: 8280139 Gagne JF et al. Common human UGT1A polymorphisms and the altered metabolism of irinotecan active metabolite 7-ethyl-10-hydroxycamptothecin (SN-38). Mol Pharmacol. 2002 Sep. PMID: 12181437 Iijima S et al. Hereditary spherocytosis coexisting with UDP-glucuronosyltransferase deficiency highly suggestive of Crigler-Najjar syndrome type II. Yonsei Med J. 2011 Mar. PMID: 21319362 Ko JS et al. Molecular Analysis of the UGT1A1 Gene in Korean Patients with Crigler-Najjar Syndrome Type II. Pediatr Gastroenterol Hepatol Nutr. 2014 Mar. PMID: 24749086 Maruo Y et al. Compound heterozygote of a novel missense mutation (p.K402T) and a double missense mutation (p.[G71R;Y486D]) in type II Crigler-Najjar syndrome. J Pediatr Gastroenterol Nutr. 2011 Mar. PMID: 21297505 Maruo Y et al. Gilbert syndrome caused by a homozygous missense mutation (Tyr486Asp) of bilirubin UDP-glucuronosyltransferase gene. J Pediatr. 1998 Jun. PMID: 9627603 Nakagawa T et al. A homozygous mutation in UGT1A1 exon 5 may be responsible for persistent hyperbilirubinemia in a Japanese girl with Gilbert's syndrome. Kobe J Med Sci. 2011 Jul 20. PMID: 22169899 Sun L et al. Differences in UGT1A1 gene mutations and pathological liver changes between Chinese patients with Gilbert syndrome and Crigler-Najjar syndrome type II. Medicine (Baltimore). 2017 Nov. PMID: 29137095 Wu JX et al. A homozygous mutation in a Chinese man with Crigler-Najjar syndrome type II and a family genetic analysis. J Dig Dis. 2008 May. PMID: 18419642 Yamamoto K et al. Contribution of two missense mutations (G71R and Y486D) of the bilirubin UDP glycosyltransferase (UGT1A1) gene to phenotypes of Gilbert's syndrome and Crigler-Najjar syndrome type II. Biochim Biophys Acta. 1998 Apr 28. PMID: 9630669 Yang H et al. Clinical Significance of UGT1A1 Genetic Analysis in Chinese Neonates with Severe Hyperbilirubinemia. Pediatr Neonatol. 2016 Aug. PMID: 26727668

Labcorp Genetics (formerly Invitae), Labcorp
Classification: Pathogenic. Last evaluated: 2025-06-11. Review status: criteria provided, single submitter. Criteria: Invitae Variant Classification Sherloc (09022015). Collection method: clinical testing. Allele origin: germline.
Comment: This sequence change replaces tyrosine, which is neutral and polar, with aspartic acid, which is acidic and polar, at codon 486 of the UGT1A1 protein (p.Tyr486Asp). This variant is present in population databases (rs34993780, gnomAD 0.2%). This variant has been observed in individual(s) with hyperbilirubinemia. Individuals homozygous for this variant present with Gilbert syndrome or Crigler-Najjar syndrome type II (PMID: 18419642, 22169899, 29137095). This variant is sometimes seen on the same chromosome (in cis) with p.Gly71Arg in some individuals affected with Crigler-Najjar syndrome type II (PMID: 9630669, 21297505, 21319362, 24749086). This variant is also known as UGT1A1*7. ClinVar contains an entry for this variant (Variation ID: 12281). Invitae Evidence Modeling of protein sequence and biophysical properties (such as structural, functional, and spatial information, amino acid conservation, physicochemical variation, residue mobility, and thermodynamic stability) indicates that this missense variant is expected to disrupt UGT1A1 protein function with a positive predictive value of 80%. Experimental studies have shown that this missense change affects UGT1A1 function (PMID: 12181437). For these reasons, this variant has been classified as Pathogenic.

Laboratory of Genetics, Children's Clinical University Hospital Latvia
Classification: Pathogenic. Last evaluated: 2025-02-16. Review status: criteria provided, single submitter. Criteria: ACMG Guidelines, 2015. Collection method: clinical testing. Allele origin: germline. Affected: yes.

Genomic Medicine Center of Excellence, King Faisal Specialist Hospital and Research Centre
Classification: Pathogenic for Gilbert syndrome. Last evaluated: 2024-12-19. Review status: criteria provided, single submitter. Criteria: ACMG Guidelines, 2015. Collection method: clinical testing. Allele origin: germline.

Blueprint Genetics
Classification: Pathogenic for UGT1A1 & UGT1A9-related disorders. Last evaluated: 2024-11-04. Review status: criteria provided, single submitter. Criteria: ACMG Guidelines, 2015. Collection method: clinical testing. Allele origin: germline. Affected: yes. Observed: 5 variant alleles.

Genomic Medicine Center of Excellence, King Faisal Specialist Hospital and Research Centre
Classification: Pathogenic for Crigler-Najjar syndrome type 1. Last evaluated: 2024-09-22. Review status: criteria provided, single submitter. Criteria: ACMG Guidelines, 2015. Collection method: clinical testing. Allele origin: germline.

Mayo Clinic Laboratories, Mayo Clinic
Classification: Pathogenic. Last evaluated: 2022-07-19. Review status: criteria provided, single submitter. Criteria: ACMG Guidelines, 2015. Collection method: clinical testing. Allele origin: germline. Observed: 1 variant allele.
Comment: PP3, PP5, PM1, PS3, PS4_moderate

NM_000463.3(UGT1A1):c.1456T>G (p.Tyr486Asp)

Genes: UGT1A (UDP glucuronosyltransferase family 1 member A complex locus; plus strand), UGT1A1 (UDP glucuronosyltransferase family 1 member A1; plus strand), UGT1A10 (UDP glucuronosyltransferase family 1 member A10; plus strand), UGT1A3 (UDP glucuronosyltransferase family 1 member A3; plus strand), UGT1A4 (UDP glucuronosyltransferase family 1 member A4; plus strand) and 5 more. Cytogenetic location: 2q37.1.
Variant type: single nucleotide variant.
Coding change: c.1456T>G on transcript NM_000463.3 (MANE Select); coding-DNA position 1456, T replaced by G.
Protein change: p.Tyr486Asp; replaces tyrosine 486 with aspartic acid.
Molecular consequence: missense variant.
Genome position (GRCh38, 1-based): chr2:233,772,413, T>G. VCF-style: chr2-233772413-T-G. GRCh37 (hg19) VCF-style: chr2-234681059-T-G.
Other names: c.[1456T>G] (NM_000463.2); c.1447T>G, p.Tyr483Asp (NM_019075.4, NM_019076.5, NM_019077.3 and 1 more transcripts); c.1453T>G, p.Tyr485Asp (NM_001072.4); c.652T>G, p.Tyr218Asp (NM_205862.3); c.1459T>G, p.Tyr487Asp (NM_019078.2, NM_007120.3, NM_019093.4); short protein forms Y486D, Y218D, Y483D, Y485D, Y487D.
Identifiers: ClinVar variation 12281 (VCV000012281.43), dbSNP rs34993780, ClinGen allele CA122080.